The following is an entry in ClinVar:

NM_001184.4(ATR):c.6685C>A (p.Pro2229Thr)

Gene: ATR (ATR checkpoint kinase; minus strand). Cytogenetic location: 3q23.
Variant type: single nucleotide variant.
Coding change: c.6685C>A on transcript NM_001184.4 (MANE Select); coding-DNA position 6685, C replaced by A.
Protein change: p.Pro2229Thr; replaces proline 2229 with threonine.
Molecular consequence: missense variant.
Genome position (GRCh38, 1-based): chr3:142,467,936, G>T on the plus strand (C>A on the coding strand, the complement: ATR is on the minus strand). VCF-style: chr3-142467936-G-T. GRCh37 (hg19) VCF-style: chr3-142186778-G-T.
Other names: c.6493C>A, p.Pro2165Thr (NM_001354579.2); short protein forms P2165T, P2229T.
Identifiers: ClinVar variation 2860091 (VCV002860091.3), dbSNP rs2108275763, ClinGen allele CA354803228.
Genomic context (GRCh38, chr3:142,467,936, plus strand): 5'-CAAATTATATACATAATTACCCAACATCAGTTTATAAGCACTAAGATTATGATAGTACCG[G>T]TTTATTGCACAATTCTAGAAGCTTATCTGTTAGGCGAGTTGCATCTCCAACAAACTTCTC-3'
Protein context (NP_001175.2, residues 2219-2239): TDKLLELCNK[Pro2229Thr]VDGSSSTLSM

ClinVar aggregate classification (germline): Uncertain significance (1 of 4 stars; one submission).

Submission:

Labcorp Genetics (formerly Invitae), Labcorp
Classification: Uncertain significance. Last evaluated: 2023-08-24. Review status: criteria provided, single submitter. Criteria: Invitae Variant Classification Sherloc (09022015). Collection method: clinical testing. Allele origin: germline.
Comment: An algorithm developed to predict the effect of missense changes on protein structure and function (PolyPhen-2) suggests that this variant is likely to be tolerated. In summary, the available evidence is currently insufficient to determine the role of this variant in disease. Therefore, it has been classified as a Variant of Uncertain Significance. This sequence change replaces proline, which is neutral and non-polar, with threonine, which is neutral and polar, at codon 2229 of the ATR protein (p.Pro2229Thr). This variant is not present in population databases (gnomAD no frequency). This variant has not been reported in the literature in individuals affected with ATR-related conditions.